The following is an entry in ClinVar:

ClinVar aggregate classification (germline): Likely benign. Review status: criteria provided, single submitter (1 of 4 stars). 2 submissions from 2 submitters: Likely benign (1). 1 of the submissions does not count toward it. Last evaluated 2018-09-22.

Allele frequency attached by ClinVar (database versions not stated): ExAC 0.00065; gnomAD exomes 0.00072; gnomAD 0.00316 and 0.00342; TOPMed 0.00364; 1000 Genomes Project 30x 0.00437; 1000 Genomes Project 0.00459.
gnomAD v4.1: 708 of 702,880 alleles (0.1%); highest among the groups gnomAD compares: African/African-American, 1.1%; 1 homozygote.

Submissions (2):

GeneDx
Classification: Likely benign. Last evaluated: 2018-09-22. Review status: criteria provided, single submitter. Criteria: GeneDx Variant Classification Process June 2021. Collection method: clinical testing. Allele origin: germline. Affected: yes.

ITMI
No classification provided. Condition: AllHighlyPenetrant. Last evaluated: 2013-09-19. Review status: no classification provided. Collection method: reference population. Allele origin: germline. Not counted in ClinVar's aggregate classification.
Comment: Please see associated publication for description of ethnicities

Literature cited by the submitters: PubMed 24728327 (cited by ITMI).

NM_017617.5(NOTCH1):c.5167+228T>G

Gene: NOTCH1 (notch receptor 1; minus strand). Cytogenetic location: 9q34.3.
Variant type: single nucleotide variant.
Coding change: c.5167+228T>G on transcript NM_017617.5 (MANE Select); 228 bases into the intron after coding-DNA position 5167, T replaced by G.
Molecular consequence: intron variant.
Genome position (GRCh38, 1-based): chr9:136,502,954, A>C on the plus strand (T>G on the coding strand, the complement: NOTCH1 is on the minus strand). VCF-style: chr9-136502954-A-C. GRCh37 (hg19) VCF-style: chr9-139397406-A-C.
Other names: c.5167+228T>G (LRG_1122t1).
Identifiers: ClinVar variation 133356 (VCV000133356.4), dbSNP rs180916492, ClinGen allele CA156446.
Genomic context (GRCh38, chr9:136,502,954, plus strand): 5'-TGAAATAATACCCAACAAAGAAAATTCAGGAGGAAAGGGTGGGGAGAGAAGCAGGCACCC[A>C]CTTTCCCGTGGCTGGACTCGTTCCCAGGTGGCTCCACCGGCAGCTGTGACCGCCGCAGGT-3'